The following is an entry in ClinVar:

NM_001256012.3(MYH10):c.723G>A (p.Ala241=)

Gene: MYH10 (myosin heavy chain 10; minus strand). Cytogenetic location: 17p13.1.
Variant type: single nucleotide variant.
Coding change: c.723G>A on transcript NM_001256012.3 (MANE Select); coding-DNA position 723, G replaced by A.
Protein change: p.Ala241=; no amino-acid change (alanine 241 retained).
Molecular consequence: synonymous variant.
Genome position (GRCh38, 1-based): chr17:8,569,753, C>T on the plus strand (G>A on the coding strand, the complement: MYH10 is on the minus strand). VCF-style: chr17-8569753-C-T. GRCh37 (hg19) VCF-style: chr17-8473071-C-T.
Other names: c.720G>A, p.Ala240= (NM_001256095.2); c.723G>A, p.Ala241= (NM_001375266.1); c.693G>A, p.Ala231= (NM_005964.5).
Identifiers: ClinVar variation 717431 (VCV000717431.7), dbSNP rs80237173, ClinGen allele CA8378061.

ClinVar aggregate classification (germline): Benign. Review status: criteria provided, multiple submitters, no conflicts (2 of 4 stars). 3 submissions from 3 submitters: Benign (2). 1 of the submissions does not count toward it. Last evaluated 2019-12-31.

Conditions:
MYH10-related disorder. Also called: MYH10-related condition.

Allele frequency attached by ClinVar (database versions not stated): gnomAD exomes 0.00070 and 0.00168; ExAC 0.00197; ESP Exome Variant Server 0.00615; gnomAD 0.00635 and 0.00682; TOPMed 0.00663; 1000 Genomes Project 0.00739; 1000 Genomes Project 30x 0.00890.
gnomAD v4.1: 1,997 of 1,611,938 alleles (0.12%); highest among the groups gnomAD compares: African/African-American, 2.2%; 22 homozygotes.

Submissions (3):

Labcorp Genetics (formerly Invitae), Labcorp
Classification: Benign. Last evaluated: 2019-12-31. Review status: criteria provided, single submitter. Criteria: Invitae Variant Classification Sherloc (09022015). Collection method: clinical testing. Allele origin: germline.

Breakthrough Genomics
Classification: Benign. Review status: criteria provided, single submitter. Criteria: ACMG Guidelines, 2015. Collection method: not provided. Allele origin: germline. Inheritance: Unknown mechanism. Affected: yes.

PreventionGenetics, part of Exact Sciences
Classification: Likely benign for MYH10-related condition. Last evaluated: 2024-02-23. Review status: no assertion criteria provided. Collection method: clinical testing. Allele origin: germline. Not counted in ClinVar's aggregate classification.
Comment: This variant is classified as likely benign based on ACMG/AMP sequence variant interpretation guidelines (Richards et al. 2015 PMID: 25741868, with internal and published modifications).